The following is an entry in ClinVar:

NM_001363711.2(DUOX2):c.1015A>G (p.Met339Val)

Gene: DUOX2 (dual oxidase 2; minus strand). Cytogenetic location: 15q21.1.
Variant type: single nucleotide variant.
Coding change: c.1015A>G on transcript NM_001363711.2 (MANE Select); coding-DNA position 1015, A replaced by G.
Protein change: p.Met339Val; replaces methionine 339 with valine.
Molecular consequence: missense variant.
Genome position (GRCh38, 1-based): chr15:45,110,453, T>C on the plus strand (A>G on the coding strand, the complement: DUOX2 is on the minus strand). VCF-style: chr15-45110453-T-C. GRCh37 (hg19) VCF-style: chr15-45402651-T-C.
Other names: c.1015A>G, p.Met339Val (NM_014080.5); short protein forms M339V.
Identifiers: ClinVar variation 1307208 (VCV001307208.5), dbSNP rs2141156094, ClinGen allele CA392278046.
Genomic context (GRCh38, chr15:45,110,453, plus strand): 5'-AGTGTGGTGCCCCTCTCTGCCAACCCCTCCCTCACCTCATGTAGACACCAGGGGGCACCA[T>C]GGTAGAGAAGAACTGCTCAGAGGCCACCACAAATTCCGGGGAGATGCTGGGGTCTAGGAA-3'
Protein context (NP_001350640.1, residues 329-349): VVASEQFFST[Met339Val]VPPGVYMRNA

ClinVar aggregate classification (germline): Uncertain significance. Review status: criteria provided, multiple submitters, no conflicts (2 of 4 stars). 2 submissions from 2 submitters: Uncertain significance (2). Last evaluated 2022-11-10.

Allele frequency attached by ClinVar (database versions not stated): gnomAD exomes 0.00001.
gnomAD v4.1: 3 of 1,613,940 alleles (0.00019%); highest among the groups gnomAD compares: East Asian, 0.0022%; no homozygotes.

Submissions (2):

Labcorp Genetics (formerly Invitae), Labcorp
Classification: Uncertain significance. Last evaluated: 2022-11-10. Review status: criteria provided, single submitter. Criteria: Invitae Variant Classification Sherloc (09022015). Collection method: clinical testing. Allele origin: germline.
Comment: This sequence change replaces methionine, which is neutral and non-polar, with valine, which is neutral and non-polar, at codon 339 of the DUOX2 protein (p.Met339Val). This variant is not present in population databases (gnomAD no frequency). This variant has not been reported in the literature in individuals affected with DUOX2-related conditions. ClinVar contains an entry for this variant (Variation ID: 1307208). Advanced modeling of protein sequence and biophysical properties (such as structural, functional, and spatial information, amino acid conservation, physicochemical variation, residue mobility, and thermodynamic stability) performed at Invitae indicates that this missense variant is not expected to disrupt DUOX2 protein function. In summary, the available evidence is currently insufficient to determine the role of this variant in disease. Therefore, it has been classified as a Variant of Uncertain Significance.

GeneDx
Classification: Uncertain significance. Last evaluated: 2019-08-08. Review status: criteria provided, single submitter. Criteria: GeneDx Variant Classification Process June 2021. Collection method: clinical testing. Allele origin: germline. Affected: yes.
Comment: Not observed in large population cohorts (Lek et al., 2016); In silico analysis, which includes protein predictors and evolutionary conservation, supports that this variant does not alter protein structure/function; Has not been previously published as pathogenic or benign to our knowledge